The following is an entry in ClinVar:

ClinVar aggregate classification (germline): Uncertain significance. Review status: criteria provided, multiple submitters, no conflicts (2 of 4 stars). 2 submissions from 2 submitters: Uncertain significance (2). Last evaluated 2025-04-11.

Conditions:
Inborn genetic diseases. Identifiers: MedGen C0950123, MeSH D030342.

Allele frequency attached by ClinVar (database versions not stated): gnomAD exomes 0.00001 and below 0.00001; 1000 Genomes Project 30x 0.00016; 1000 Genomes Project 0.00020; gnomAD 0.00004; ExAC 0.00003.
gnomAD v4.1: 7 of 1,614,110 alleles (0.00043%); highest among the groups gnomAD compares: African/African-American, 0.008%; no homozygotes.

Submissions (2):

Ambry Genetics
Classification: Uncertain significance for Inborn genetic diseases. Last evaluated: 2025-04-11. Review status: criteria provided, single submitter. Criteria: Ambry Variant Classification Scheme 2023. Collection method: clinical testing. Allele origin: germline.

Labcorp Genetics (formerly Invitae), Labcorp
Classification: Uncertain significance. Last evaluated: 2020-02-25. Review status: criteria provided, single submitter. Criteria: Invitae Variant Classification Sherloc (09022015). Collection method: clinical testing. Allele origin: germline.
Comment: This variant is present in population databases (rs549685470, ExAC 0.02%). In summary, the available evidence is currently insufficient to determine the role of this variant in disease. Therefore, it has been classified as a Variant of Uncertain Significance. Algorithms developed to predict the effect of missense changes on protein structure and function (SIFT, PolyPhen-2, Align-GVGD) all suggest that this variant is likely to be tolerated, but these predictions have not been confirmed by published functional studies and their clinical significance is uncertain. This variant has not been reported in the literature in individuals with CNGB1-related conditions. This sequence change replaces glutamic acid with lysine at codon 436 of the CNGB1 protein (p.Glu436Lys). The glutamic acid residue is weakly conserved and there is a small physicochemical difference between glutamic acid and lysine.

NM_001297.5(CNGB1):c.1306G>A (p.Glu436Lys)

Gene: CNGB1 (cyclic nucleotide gated channel subunit beta 1; minus strand). Cytogenetic location: 16q21.
Variant type: single nucleotide variant.
Coding change: c.1306G>A on transcript NM_001297.5 (MANE Select); coding-DNA position 1306, G replaced by A.
Protein change: p.Glu436Lys; replaces glutamic acid 436 with lysine.
Molecular consequence: missense variant.
Genome position (GRCh38, 1-based): chr16:57,939,496, C>T on the plus strand (G>A on the coding strand, the complement: CNGB1 is on the minus strand). VCF-style: chr16-57939496-C-T. GRCh37 (hg19) VCF-style: chr16-57973400-C-T.
Other names: c.1288G>A, p.Glu430Lys (NM_001286130.2); c.1306G>A (NM_001297.4); short protein forms E430K, E436K.
Identifiers: ClinVar variation 1023664 (VCV001023664.9), dbSNP rs549685470, ClinGen allele CA8083481.
Genomic context (GRCh38, chr16:57,939,496, plus strand): 5'-AACTGGCAGCCTCGGCCTCAGCCTCAGGCTCCTCCTTGGTCTCCGCCCAGTCCTGGGGCT[C>T]CTTTTCAGCCTCCTCTTCAGCCACCTCCTCGGCCTCCTCCTTGGCCTTCTCTTCAGCCTC-3'
Protein context (NP_001288.3, residues 426-446): EEVAEEEAEK[Glu436Lys]PQDWAETKEE